The following is an entry in ClinVar:

NM_003119.4(SPG7):c.2164C>G (p.Leu722Val)

Gene: SPG7 (SPG7 matrix AAA peptidase subunit, paraplegin; plus strand). Cytogenetic location: 16q24.3.
Variant type: single nucleotide variant.
Coding change: c.2164C>G on transcript NM_003119.4 (MANE Select); coding-DNA position 2164, C replaced by G.
Protein change: p.Leu722Val; replaces leucine 722 with valine.
Molecular consequence: missense variant.
Genome position (GRCh38, 1-based): chr16:89,554,546, C>G. VCF-style: chr16-89554546-C-G. GRCh37 (hg19) VCF-style: chr16-89620954-C-G.
Other names: c.2164C>G, p.Leu722Val (NM_001363850.1); c.2164C>G (NM_003119.2); short protein forms L722V.
Identifiers: ClinVar variation 3907066 (VCV003907066.2).

ClinVar aggregate classification (germline): Uncertain significance. Review status: criteria provided, multiple submitters, no conflicts (2 of 4 stars). 2 submissions from 2 submitters: Uncertain significance (2). Last evaluated 2025-10-23.

Conditions:
Inborn genetic diseases. Identifiers: MedGen C0950123, MeSH D030342.

gnomAD v4.1: 6 of 1,609,470 alleles (0.00037%); highest among the groups gnomAD compares: African/African-American, 0.0053%; no homozygotes.

Submissions (2):

Ambry Genetics
Classification: Uncertain significance for Inborn genetic diseases. Last evaluated: 2025-10-23. Review status: criteria provided, single submitter. Criteria: Ambry Variant Classification Scheme 2023. Collection method: clinical testing. Allele origin: germline.

Women's Health and Genetics/Laboratory Corporation of America, LabCorp
Classification: Uncertain significance. Last evaluated: 2025-06-29. Review status: criteria provided, single submitter. Criteria: LabCorp Variant Classification Summary - May 2015. Collection method: clinical testing. Allele origin: germline.
Comment: Variant summary: SPG7 c.2164C>G (p.Leu722Val) results in a conservative amino acid change in the encoded protein sequence. Algorithms developed to predict the effect of missense changes on protein structure and function all suggest that this variant is likely to be tolerated. The variant allele was found at a frequency of 8.1e-06 in 245996 control chromosomes. The available data on variant occurrences in the general population are insufficient to allow any conclusion about variant significance. To our knowledge, no occurrence of c.2164C>G in individuals affected with Hereditary Spastic Paraplegia 7 and no experimental evidence demonstrating its impact on protein function have been reported. No submitters have cited clinical-significance assessments for this variant to ClinVar. Based on the evidence outlined above, the variant was classified as uncertain significance.